The following is an entry in ClinVar:

ClinVar aggregate classification (germline): Conflicting classifications of pathogenicity. Review status: criteria provided, conflicting classifications (1 of 4 stars). 4 submissions from 4 submitters: Uncertain significance (2); Benign (1); Likely benign (1). Last evaluated 2026-09-24.

Conditions:
VPS13B-related disorder. Also called: VPS13B-related condition.
Inborn genetic diseases. Identifiers: MedGen C0950123, MeSH D030342.
Cohen syndrome (COH1). Also called: PEPPER SYNDROME; Cutis verticis gyrata, retinitis pigmentosa, and sensorineural deafness. Identifiers: Orphanet 193, MedGen C0265223, MONDO:0008999, OMIM 216550.

Allele frequency attached by ClinVar (database versions not stated): gnomAD exomes 0.00004 and 0.00006; ExAC 0.00012; gnomAD 0.00019; TOPMed 0.00028; 1000 Genomes Project 30x 0.00031; ESP Exome Variant Server 0.00038; 1000 Genomes Project 0.00040.
gnomAD v4.1: 99 of 1,613,374 alleles (0.0061%); highest among the groups gnomAD compares: African/African-American, 0.1%; 1 homozygote.

Submissions (4):

PreventionGenetics, part of Exact Sciences
Classification: Uncertain significance for VPS13B-related condition. Last evaluated: 2026-09-24. Review status: criteria provided, single submitter. Criteria: ACMG Guidelines, 2015. Collection method: clinical testing. Allele origin: germline.
Comment: The VPS13B c.5890T>C variant is predicted to result in the amino acid substitution p.Ser1964Pro. To our knowledge, this variant has not been reported in the literature. This variant is reported in 0.081% of alleles in individuals of African descent in gnomAD, which may be too common to be a primary cause of disease. Although we suspect that this variant may benign, at this time, the clinical significance of this variant is uncertain due to the absence of conclusive functional and genetic evidence.

Labcorp Genetics (formerly Invitae), Labcorp
Classification: Benign for Cohen syndrome. Last evaluated: 2026-01-24. Review status: criteria provided, single submitter. Criteria: Invitae Variant Classification Sherloc (09022015). Collection method: clinical testing. Allele origin: germline.

Ambry Genetics
Classification: Likely benign for Inborn genetic diseases. Last evaluated: 2024-10-03. Review status: criteria provided, single submitter. Criteria: Ambry Variant Classification Scheme 2023. Collection method: clinical testing. Allele origin: germline.

Eurofins Ntd Llc (ga)
Classification: Uncertain significance. Last evaluated: 2015-03-31. Review status: criteria provided, single submitter. Criteria: EGL Classification Definitions 2015. Collection method: clinical testing. Allele origin: germline. Observed: 2 variant alleles, 2 heterozygotes.

NM_152564.5(VPS13B):c.5890T>C (p.Ser1964Pro)

Gene: VPS13B (vacuolar protein sorting 13 homolog B; plus strand). Cytogenetic location: 8q22.2.
Variant type: single nucleotide variant.
Coding change: c.5890T>C on transcript NM_152564.5 (MANE Select); coding-DNA position 5890, T replaced by C.
Protein change: p.Ser1964Pro; replaces serine 1964 with proline.
Molecular consequence: missense variant.
Genome position (GRCh38, 1-based): chr8:99,642,480, T>C. VCF-style: chr8-99642480-T-C. GRCh37 (hg19) VCF-style: chr8-100654708-T-C.
Other names: c.5965T>C, p.Ser1989Pro (NM_017890.5); c.5890T>C (NM_152564.4); short protein forms S1964P, S1989P.
Identifiers: ClinVar variation 196921 (VCV000196921.25), dbSNP rs148704031, ClinGen allele CA244734.